The following is an entry in ClinVar:

ClinVar aggregate classification (germline): Pathogenic (1 of 4 stars; one submission).

Conditions:
Immunodeficiency 14 (IMD14A). Also called: p110-DELTA-ACTIVATING MUTATION CAUSING SENESCENT T CELLS, LYMPHADENOPATHY, AND IMMUNODEFICIENCY; ACTIVATED PI3K-DELTA SYNDROME 1; Activated PI3K Delta Syndrome Type 1 (APDS1); IMMUNODEFICIENCY 14A WITH LYMPHOPROLIFERATION, AUTOSOMAL DOMINANT. Identifiers: Orphanet 397596, Orphanet 693661, MedGen C5907821, MONDO:0014222, OMIM 615513.

Submission:

Labcorp Genetics (formerly Invitae), Labcorp
Classification: Pathogenic for Activated PI3K-delta syndrome. Last evaluated: 2026-01-11. Review status: criteria provided, single submitter. Criteria: Invitae Variant Classification Sherloc (09022015). Collection method: clinical testing. Allele origin: germline.
Comment: This sequence change creates a premature translational stop signal (p.Leu439Profs*3) in the PIK3CD gene. It is expected to result in an absent or disrupted protein product. Loss-of-function variants in PIK3CD are known to be pathogenic (PMID: 30040974, 31073077). This variant is not present in population databases (gnomAD no frequency). This variant has not been reported in the literature in individuals affected with PIK3CD-related conditions. For these reasons, this variant has been classified as Pathogenic.

Literature cited by the submitters: PubMed 30040974; PubMed 31073077.

NM_005026.5(PIK3CD):c.1314_1333del (p.Leu439fs)

Genes: PIK3CD (phosphatidylinositol-4,5-bisphosphate 3-kinase catalytic subunit delta; plus strand), LOC126805612 (MED14-independent group 3 enhancer GRCh37_chr1:9778914-9780113; plus strand). Cytogenetic location: 1p36.22.
Variant type: Deletion.
Coding change: c.1314_1333del on transcript NM_005026.5 (MANE Select); coding-DNA positions 1314 to 1333, 20 bases deleted (CCTCTACATGTGGCCCTCCG).
Protein change: p.Leu439fs; shifts the reading frame from leucine 439.
Molecular consequence: frameshift variant.
Genome position (GRCh38, 1-based): chr1:9,719,992-9,720,011, CCTCTACATGTGGCCCTCCG deleted; deleting any 20 consecutive bases within chr1:9,719,991-9,720,011 gives the same sequence; the c. name uses the placement nearest the transcript's 3' end. VCF-style (leftmost placement, unchanged base first): chr1-9719990-TGCCTCTACATGTGGCCCTCC-T. GRCh37 (hg19) VCF-style: chr1-9780048-TGCCTCTACATGTGGCCCTCC-T.
Other names: c.1314_1333del, p.Leu439fs (NM_001350234.2, NM_001437546.1, NM_001437547.1 and 2 more transcripts); c.1227_1246del, p.Leu410fs (NM_001350235.1); short protein forms L410fs, L439fs.
Identifiers: ClinVar variation 4734780 (VCV004734780.1).